The following is an entry in ClinVar:

ClinVar aggregate classification (germline): Pathogenic. Review status: criteria provided, multiple submitters, no conflicts (2 of 4 stars). 2 submissions from 2 submitters: Pathogenic (2). Last evaluated 2024-07-19.

Conditions:
Familial cancer of breast. Also called: Hereditary breast cancer; BREAST CANCER, FAMILIAL; hereditary breast carcinoma. Identifiers: Orphanet 227535, MedGen C0346153, MONDO:0016419, OMIM 114480. Disease mechanism: loss of function.

Submissions (2):

Myriad Genetics, Inc.
Classification: Pathogenic for Familial cancer of breast. Last evaluated: 2024-07-19. Review status: criteria provided, single submitter. Criteria: Myriad Autosomal Dominant, Autosomal Recessive and X-Linked Classification Criteria (2023). Collection method: clinical testing. Allele origin: unknown.
Comment: This variant is considered pathogenic. This variant creates a frameshift predicted to result in premature protein truncation.

Labcorp Genetics (formerly Invitae), Labcorp
Classification: Pathogenic for Familial cancer of breast. Last evaluated: 2020-06-16. Review status: criteria provided, single submitter. Criteria: Invitae Variant Classification Sherloc (09022015). Collection method: clinical testing. Allele origin: germline.
Comment: This sequence change creates a premature translational stop signal (p.His693Glnfs*16) in the PALB2 gene. It is expected to result in an absent or disrupted protein product. This variant has not been reported in the literature in individuals with PALB2-related conditions. ClinVar contains an entry for this variant (Variation ID: 241539). Loss-of-function variants in PALB2 are known to be pathogenic (PMID: 17200668, 24136930, 25099575). For these reasons, this variant has been classified as Pathogenic.

Literature cited by the submitters: PubMed 17200668 (cited by Labcorp Genetics (formerly Invitae), Labcorp); PubMed 24136930 (cited by Labcorp Genetics (formerly Invitae), Labcorp); PubMed 25099575 (cited by Labcorp Genetics (formerly Invitae), Labcorp).

NM_024675.4(PALB2):c.2079del (p.His693fs)

Gene: PALB2 (partner and localizer of BRCA2; minus strand). Cytogenetic location: 16p12.2.
Variant type: Deletion.
Coding change: c.2079del on transcript NM_024675.4 (MANE Select); coding-DNA position 2079, one base deleted (T; older notation c.2079delT).
Protein change: p.His693fs; shifts the reading frame from histidine 693.
Molecular consequence: frameshift variant.
Genome position (GRCh38, 1-based): chr16:23,630,075, A deleted on the plus strand (T on the coding strand, the reverse complement: PALB2 is on the minus strand). VCF-style (leftmost placement, unchanged base first): chr16-23630074-TA-T. GRCh37 (hg19) VCF-style: chr16-23641395-TA-T.
Other names: c.2079delT (NM_024675.3); short protein forms H693fs.
Identifiers: ClinVar variation 241539 (VCV000241539.8), dbSNP rs878855105, ClinGen allele CA10583366.